The following is an entry in ClinVar:

ClinVar aggregate classification (germline): Uncertain significance (1 of 4 stars; one submission).

Conditions:
Dilated cardiomyopathy 1DD (CMD1DD). Identifiers: Orphanet 154, MedGen C2750995, MONDO:0013168, OMIM 613172.

Submission:

Labcorp Genetics (formerly Invitae), Labcorp
Classification: Uncertain significance for Dilated cardiomyopathy 1DD. Last evaluated: 2022-07-22. Review status: criteria provided, single submitter. Criteria: Invitae Variant Classification Sherloc (09022015). Collection method: clinical testing. Allele origin: germline.
Comment: This sequence change replaces proline, which is neutral and non-polar, with histidine, which is basic and polar, at codon 198 of the RBM20 protein (p.Pro198His). In summary, the available evidence is currently insufficient to determine the role of this variant in disease. Therefore, it has been classified as a Variant of Uncertain Significance. Advanced modeling of protein sequence and biophysical properties (such as structural, functional, and spatial information, amino acid conservation, physicochemical variation, residue mobility, and thermodynamic stability) performed at Invitae indicates that this missense variant is not expected to disrupt RBM20 protein function. This variant has not been reported in the literature in individuals affected with RBM20-related conditions. This variant is not present in population databases (gnomAD no frequency).

NM_001134363.3(RBM20):c.593C>A (p.Pro198His)

Gene: RBM20 (RNA binding motif protein 20; plus strand). Cytogenetic location: 10q25.2.
Variant type: single nucleotide variant.
Coding change: c.593C>A on transcript NM_001134363.3 (MANE Select); coding-DNA position 593, C replaced by A.
Protein change: p.Pro198His; replaces proline 198 with histidine.
Molecular consequence: missense variant.
Genome position (GRCh38, 1-based): chr10:110,781,202, C>A. VCF-style: chr10-110781202-C-A. GRCh37 (hg19) VCF-style: chr10-112540960-C-A.
Other names: short protein forms P198H.
Identifiers: ClinVar variation 2007508 (VCV002007508.4), dbSNP rs1844339744, ClinGen allele CA378381460.
Genomic context (GRCh38, chr10:110,781,202, plus strand): 5'-GAGGCCCCGGACCCTCCATGAACCTTCCCAACCAGCCACCCAGTGCCATGGTGATGCATC[C>A]TTTCACTGGGGTAATGCCTCAGACCCCTGGCCAGCCAGCAGTCATCTTGGGCATTGGCAA-3'
Protein context (NP_001127835.2, residues 188-208): NQPPSAMVMH[Pro198His]FTGVMPQTPG